The following is an entry in ClinVar:

NM_001394998.1(TANC2):c.867G>A (p.Gln289=)

Gene: TANC2 (tetratricopeptide repeat, ankyrin repeat and coiled-coil containing 2; plus strand). Cytogenetic location: 17q23.3.
Variant type: single nucleotide variant.
Coding change: c.867G>A on transcript NM_001394998.1 (MANE Select); coding-DNA position 867, G replaced by A.
Protein change: p.Gln289=; no amino-acid change (glutamine 289 retained).
Molecular consequence: synonymous variant.
Genome position (GRCh38, 1-based): chr17:63,237,911, G>A. VCF-style: chr17-63237911-G-A. GRCh37 (hg19) VCF-style: chr17-61315272-G-A.
Other names: c.645G>A, p.Gln215= (NM_001411076.1, NM_025185.4).
Identifiers: ClinVar variation 3059740 (VCV003059740.2), dbSNP rs2460111, ClinGen allele CA8697456.

ClinVar aggregate classification (germline): Benign (0 of 4 stars; one submission).

Conditions:
TANC2-related disorder. Also called: TANC2-related condition.

Allele frequency attached by ClinVar (database versions not stated): 1000 Genomes Project 0.53454; 1000 Genomes Project 30x 0.54825; ExAC 0.59686; gnomAD 0.59897; TOPMed 0.59898; ESP Exome Variant Server 0.61916.
gnomAD v4.1: 811,381 of 1,577,594 alleles (51%); highest among the groups gnomAD compares: African/African-American, 87%; 216,744 homozygotes.

Submission:

PreventionGenetics, part of Exact Sciences
Classification: Benign for TANC2-related condition. Last evaluated: 2019-09-24. Review status: no assertion criteria provided. Collection method: clinical testing. Allele origin: germline.
Comment: This variant is classified as benign based on ACMG/AMP sequence variant interpretation guidelines (Richards et al. 2015 PMID: 25741868, with internal and published modifications).